The following is an entry in ClinVar:

NM_005732.4(RAD50):c.2198T>A (p.Val733Glu)

Gene: RAD50 (RAD50 double strand break repair protein; plus strand). Cytogenetic location: 5q31.1.
Variant type: single nucleotide variant.
Coding change: c.2198T>A on transcript NM_005732.4 (MANE Select); coding-DNA position 2198, T replaced by A.
Protein change: p.Val733Glu; replaces valine 733 with glutamic acid.
Molecular consequence: missense variant.
Genome position (GRCh38, 1-based): chr5:132,595,801, T>A. VCF-style: chr5-132595801-T-A. GRCh37 (hg19) VCF-style: chr5-131931493-T-A.
Other names: c.2198T>A (NM_005732.3); short protein forms V733E.
Identifiers: ClinVar variation 1020889 (VCV001020889.10), dbSNP rs1554098721, ClinGen allele CA360950887.

ClinVar aggregate classification (germline): Uncertain significance. Review status: criteria provided, multiple submitters, no conflicts (2 of 4 stars). 2 submissions from 2 submitters: Uncertain significance (2). Last evaluated 2025-07-18.

Conditions:
Hereditary cancer-predisposing syndrome. Also called: Hereditary Cancer Syndrome; Neoplastic Syndromes, Hereditary; Tumor predisposition; Hereditary neoplastic syndrome. Identifiers: Orphanet 140162, MedGen C0027672, MeSH D009386, MONDO:0015356.

Submissions (2):

Ambry Genetics
Classification: Uncertain significance for Hereditary cancer-predisposing syndrome. Last evaluated: 2025-07-18. Review status: criteria provided, single submitter. Criteria: Ambry Variant Classification Scheme 2023. Collection method: clinical testing. Allele origin: germline.
Comment: The p.V733E variant (also known as c.2198T>A), located in coding exon 13 of the RAD50 gene, results from a T to A substitution at nucleotide position 2198. The valine at codon 733 is replaced by glutamic acid, an amino acid with dissimilar properties. This amino acid position is conserved. In addition, this alteration is predicted to be tolerated by in silico analysis. Based on the available evidence, the clinical significance of this variant remains unclear.

Labcorp Genetics (formerly Invitae), Labcorp
Classification: Uncertain significance for Hereditary cancer-predisposing syndrome. Last evaluated: 2022-01-28. Review status: criteria provided, single submitter. Criteria: Invitae Variant Classification Sherloc (09022015). Collection method: clinical testing. Allele origin: germline.
Comment: In summary, the available evidence is currently insufficient to determine the role of this variant in disease. Therefore, it has been classified as a Variant of Uncertain Significance. Algorithms developed to predict the effect of missense changes on protein structure and function (SIFT, PolyPhen-2, Align-GVGD) all suggest that this variant is likely to be tolerated. ClinVar contains an entry for this variant (Variation ID: 1020889). This variant has not been reported in the literature in individuals affected with RAD50-related conditions. This variant is not present in population databases (gnomAD no frequency). This sequence change replaces valine, which is neutral and non-polar, with glutamic acid, which is acidic and polar, at codon 733 of the RAD50 protein (p.Val733Glu).